The following is an entry in ClinVar:

NM_006231.4(POLE):c.3608A>T (p.Asp1203Val)

Gene: POLE (DNA polymerase epsilon, catalytic subunit; minus strand). Cytogenetic location: 12q24.33.
Variant type: single nucleotide variant.
Coding change: c.3608A>T on transcript NM_006231.4 (MANE Select); coding-DNA position 3608, A replaced by T.
Protein change: p.Asp1203Val; replaces aspartic acid 1203 with valine.
Molecular consequence: missense variant.
Genome position (GRCh38, 1-based): chr12:132,649,864, T>A on the plus strand (A>T on the coding strand, the complement: POLE is on the minus strand). VCF-style: chr12-132649864-T-A. GRCh37 (hg19) VCF-style: chr12-133226450-T-A.
Other names: c.3608A>T (NM_006231.2); short protein forms D1203V.
Identifiers: ClinVar variation 1026103 (VCV001026103.7), dbSNP rs2042383988, ClinGen allele CA387386998.
Genomic context (GRCh38, chr12:132,649,864, plus strand): 5'-GGGTGAGGCAGCTTTACGAGGCCGAAGTCCTCCATGTCAGGAGCACTTGGCCTCGGACTG[T>A]CTTCTGAGGCCTCGGCCATCGTGACCTGGAAAGACCCAGTGAAGCCTTAAATCTCAGGAT-3'
Protein context (NP_006222.2, residues 1193-1213): RQVTMAEASE[Asp1203Val]SPRPSAPDME

ClinVar aggregate classification (germline): Uncertain significance. Review status: criteria provided, multiple submitters, no conflicts (2 of 4 stars). 3 submissions from 3 submitters: Uncertain significance (3). Last evaluated 2024-01-22.

Conditions:
Hereditary cancer-predisposing syndrome. Also called: Neoplastic Syndromes, Hereditary; Tumor predisposition; Hereditary Cancer Syndrome; Hereditary neoplastic syndrome. Identifiers: Orphanet 140162, MedGen C0027672, MeSH D009386, MONDO:0015356.
Colorectal cancer, susceptibility to, 12 (CRCS12). Also called: COLORECTAL CANCER, SUSCEPTIBILITY TO, ON CHROMOSOME 12q24. Identifiers: Orphanet 220460, MedGen C3554460, MONDO:0014038, OMIM 615083.

Submissions (3):

GeneDx
Classification: Uncertain significance. Last evaluated: 2024-01-22. Review status: criteria provided, single submitter. Criteria: GeneDx Variant Classification Process June 2021. Collection method: clinical testing. Allele origin: germline. Affected: yes.
Comment: Not observed at significant frequency in large population cohorts (gnomAD); In silico analysis supports that this missense variant does not alter protein structure/function; Has not been previously published as pathogenic or benign to our knowledge

Ambry Genetics
Classification: Uncertain significance for Hereditary cancer-predisposing syndrome. Last evaluated: 2023-12-22. Review status: criteria provided, single submitter. Criteria: Ambry Variant Classification Scheme 2023. Collection method: clinical testing. Allele origin: germline.
Comment: The p.D1203V variant (also known as c.3608A>T), located in coding exon 30 of the POLE gene, results from an A to T substitution at nucleotide position 3608. The aspartic acid at codon 1203 is replaced by valine, an amino acid with highly dissimilar properties. This amino acid position is conserved. In addition, this alteration is predicted to be tolerated by in silico analysis. Since supporting evidence is limited at this time, the clinical significance of this alteration remains unclear.

Labcorp Genetics (formerly Invitae), Labcorp
Classification: Uncertain significance for Colorectal cancer, susceptibility to, 12. Last evaluated: 2021-08-31. Review status: criteria provided, single submitter. Criteria: Invitae Variant Classification Sherloc (09022015). Collection method: clinical testing. Allele origin: germline.
Comment: This sequence change replaces aspartic acid with valine at codon 1203 of the POLE protein (p.Asp1203Val). The aspartic acid residue is weakly conserved and there is a large physicochemical difference between aspartic acid and valine. This variant is not present in population databases (ExAC no frequency). This variant has not been reported in the literature in individuals affected with POLE-related conditions. Algorithms developed to predict the effect of missense changes on protein structure and function (SIFT, PolyPhen-2, Align-GVGD) all suggest that this variant is likely to be tolerated. Algorithms developed to predict the effect of sequence changes on RNA splicing suggest that this variant may create or strengthen a splice site. In summary, the available evidence is currently insufficient to determine the role of this variant in disease. Therefore, it has been classified as a Variant of Uncertain Significance.